The following is an entry in ClinVar:

NM_032551.5(KISS1R):c.772C>T (p.Arg258Trp)

Gene: KISS1R (KISS1 receptor; plus strand). Cytogenetic location: 19p13.3.
Variant type: single nucleotide variant.
Coding change: c.772C>T on transcript NM_032551.5 (MANE Select); coding-DNA position 772, C replaced by T.
Protein change: p.Arg258Trp; replaces arginine 258 with tryptophan.
Molecular consequence: missense variant.
Genome position (GRCh38, 1-based): chr19:920,323, C>T. VCF-style: chr19-920323-C-T. GRCh37 (hg19) VCF-style: chr19-920323-C-T.
Other names: short protein forms R258W.
Identifiers: ClinVar variation 1432191 (VCV001432191.6), dbSNP rs757001659, ClinGen allele CA9028842.

ClinVar aggregate classification (germline): Uncertain significance (1 of 4 stars; one submission).

Allele frequency attached by ClinVar (database versions not stated): gnomAD 0.00001 and 0.00003; gnomAD exomes 0.00002.

Submission:

Labcorp Genetics (formerly Invitae), Labcorp
Classification: Uncertain significance. Last evaluated: 2022-11-01. Review status: criteria provided, single submitter. Criteria: Invitae Variant Classification Sherloc (09022015). Collection method: clinical testing. Allele origin: germline.
Comment: In summary, the available evidence is currently insufficient to determine the role of this variant in disease. Therefore, it has been classified as a Variant of Uncertain Significance. Advanced modeling of protein sequence and biophysical properties (such as structural, functional, and spatial information, amino acid conservation, physicochemical variation, residue mobility, and thermodynamic stability) performed at Invitae indicates that this missense variant is expected to disrupt KISS1R protein function. ClinVar contains an entry for this variant (Variation ID: 1432191). This variant has not been reported in the literature in individuals affected with KISS1R-related conditions. The frequency data for this variant in the population databases is considered unreliable, as metrics indicate poor data quality at this position in the gnomAD database. This sequence change replaces arginine, which is basic and polar, with tryptophan, which is neutral and slightly polar, at codon 258 of the KISS1R protein (p.Arg258Trp).